The following is an entry in ClinVar:

NM_020529.3(NFKBIA):c.*421G>A

Gene: NFKBIA (NFKB inhibitor alpha; minus strand). Cytogenetic location: 14q13.2.
Variant type: single nucleotide variant.
Coding change: c.*421G>A on transcript NM_020529.3 (MANE Select); 421 bases downstream of the stop codon, G replaced by A.
Molecular consequence: 3 prime UTR variant.
Genome position (GRCh38, 1-based): chr14:35,401,592, C>T on the plus strand (G>A on the coding strand, the complement: NFKBIA is on the minus strand). VCF-style: chr14-35401592-C-T. GRCh37 (hg19) VCF-style: chr14-35870798-C-T.
Identifiers: ClinVar variation 313099 (VCV000313099.6), dbSNP rs2273650, ClinGen allele CA10644125.
Genomic context (GRCh38, chr14:35,401,592, plus strand): 5'-TAAATATACATCATAAAAGTACCAAAATAATTACCAACAATACATTATGTACACCATTTA[C>T]AGGAGGGTAACACAAACCTTGACAGGTAGTAACTTTTCACCCCACATCACTGAACGCTTA-3'

ClinVar aggregate classification (germline): Benign. Review status: criteria provided, multiple submitters, no conflicts (2 of 4 stars). 2 submissions from 2 submitters: Benign (2). Last evaluated 2018-01-13.

Conditions:
Ectodermal dysplasia and immunodeficiency 2. Identifiers: Orphanet 238468, Orphanet 98813, MedGen C2677481, MONDO:0012806, OMIM 612132.

Allele frequency attached by ClinVar (database versions not stated): gnomAD 0.01181 and 0.01714; TOPMed 0.01805; gnomAD exomes 0.03641; 1000 Genomes Project 30x 0.06636; 1000 Genomes Project 0.07328.
gnomAD v4.1: 7,484 of 291,100 alleles (2.6%); highest among the groups gnomAD compares: East Asian, 26%; 735 homozygotes.

Submissions (2):

Illumina Laboratory Services, Illumina
Classification: Benign for Ectodermal dysplasia and immunodeficiency 2. Last evaluated: 2018-01-13. Review status: criteria provided, single submitter. Criteria: ICSL Variant Classification Criteria 13 December 2019. Collection method: clinical testing. Allele origin: germline.
Comment: This variant was observed in the ICSL laboratory as part of a predisposition screen in an ostensibly healthy population. It had not been previously curated by ICSL or reported in the Human Gene Mutation Database (HGMD: prior to June 1st, 2018), and was therefore a candidate for classification through an automated scoring system. Utilizing variant allele frequency, disease prevalence and penetrance estimates, and inheritance mode, an automated score was calculated to assess if this variant is too frequent to cause the disease. Based on the score and internal cut-off values, a variant classified as benign is not then subjected to further curation. The score for this variant resulted in a classification of benign for this disease.

Breakthrough Genomics
Classification: Benign. Review status: criteria provided, single submitter. Criteria: ACMG Guidelines, 2015. Collection method: not provided. Allele origin: germline. Inheritance: Autosomal dominant inheritance. Affected: yes.